The following is an entry in ClinVar:

NM_000286.3(PEX12):c.808C>T (p.Gln270Ter)

Gene: PEX12 (peroxisomal biogenesis factor 12; minus strand). Cytogenetic location: 17q12.
Variant type: single nucleotide variant.
Coding change: c.808C>T on transcript NM_000286.3 (MANE Select); coding-DNA position 808, C replaced by T.
Protein change: p.Gln270Ter; replaces glutamine 270 with a stop codon.
Molecular consequence: nonsense.
Genome position (GRCh38, 1-based): chr17:35,576,054, G>A on the plus strand (C>T on the coding strand, the complement: PEX12 is on the minus strand). VCF-style: chr17-35576054-G-A. GRCh37 (hg19) VCF-style: chr17-33903073-G-A.
Other names: short protein forms Q270*.
Identifiers: ClinVar variation 3638389 (VCV003638389.2).
Genomic context (GRCh38, chr17:35,576,054, plus strand): 5'-AGTCTAGGTGTACAGGTGGTGGTGGAGTAGGCAGGGCAGTCAATGACTTGATGGTTTCTT[G>A]ATTTTCAGATGAGTACCACCAGTCAAGGAACTGCAAGAAGAATACACCCACAGAAAGGCC-3'

ClinVar aggregate classification (germline): Pathogenic (1 of 4 stars; one submission).

Conditions:
Peroxisome biogenesis disorder 3A (Zellweger). Also called: PEROXISOMAL BIOGENESIS DISORDER 3A (ZELLWEGER); Peroxisome biogenesis disorder 3A. Identifiers: Orphanet 912, MedGen C3553929, MONDO:0013927, OMIM 614859.

Submission:

Labcorp Genetics (formerly Invitae), Labcorp
Classification: Pathogenic for Peroxisome biogenesis disorder 3A (Zellweger). Last evaluated: 2024-02-02. Review status: criteria provided, single submitter. Criteria: Invitae Variant Classification Sherloc (09022015). Collection method: clinical testing. Allele origin: germline.
Comment: This sequence change creates a premature translational stop signal (p.Gln270*) in the PEX12 gene. While this is not anticipated to result in nonsense mediated decay, it is expected to disrupt the last 90 amino acid(s) of the PEX12 protein. This variant is not present in population databases (gnomAD no frequency). This variant has not been reported in the literature in individuals affected with PEX12-related conditions. This variant disrupts a region of the PEX12 protein in which other variant(s) (p.Gln349del) have been determined to be pathogenic (PMID: 15542397, 21031596, 33123925; Invitae). This suggests that this is a clinically significant region of the protein, and that variants that disrupt it are likely to be disease-causing. For these reasons, this variant has been classified as Pathogenic.

Literature cited by the submitters: PubMed 15542397; PubMed 21031596; PubMed 33123925.